The following is an entry in ClinVar:

NM_019594.4(LRRC8A):c.2240C>T (p.Pro747Leu)

Gene: LRRC8A (leucine rich repeat containing 8 VRAC subunit A; plus strand). Cytogenetic location: 9q34.11.
Variant type: single nucleotide variant.
Coding change: c.2240C>T on transcript NM_019594.4 (MANE Select); coding-DNA position 2240, C replaced by T.
Protein change: p.Pro747Leu; replaces proline 747 with leucine.
Molecular consequence: missense variant.
Genome position (GRCh38, 1-based): chr9:128,916,178, C>T. VCF-style: chr9-128916178-C-T. GRCh37 (hg19) VCF-style: chr9-131678457-C-T.
Other names: c.2240C>T, p.Pro747Leu (NM_001127244.2, NM_001127245.2); short protein forms P747L.
Identifiers: ClinVar variation 2981667 (VCV002981667.3), dbSNP rs781005769, ClinGen allele CA5271046.
Genomic context (GRCh38, chr9:128,916,178, plus strand): 5'-TCTTCCAGTGCCGGAAGCTGCGGGCCCTGCACCTGGGCAACAACGTGCTGCAGTCACTGC[C>T]CTCCAGGGTGGGCGAGCTGACCAACCTGACGCAGATCGAGCTGCGGGGCAACCGGCTGGA-3'
Protein context (NP_062540.2, residues 737-757): HLGNNVLQSL[Pro747Leu]SRVGELTNLT

ClinVar aggregate classification (germline): Uncertain significance (1 of 4 stars; one submission).

Allele frequency attached by ClinVar (database versions not stated): gnomAD exomes below 0.00001; TOPMed below 0.00001; ExAC 0.00001; gnomAD 0.00001.
gnomAD v4.1: 3 of 1,613,316 alleles (0.00019%); highest among the groups gnomAD compares: African/African-American, 0.0013%; no homozygotes.

Submission:

Labcorp Genetics (formerly Invitae), Labcorp
Classification: Uncertain significance. Last evaluated: 2024-09-29. Review status: criteria provided, single submitter. Criteria: Invitae Variant Classification Sherloc (09022015). Collection method: clinical testing. Allele origin: germline.
Comment: This sequence change replaces proline, which is neutral and non-polar, with leucine, which is neutral and non-polar, at codon 747 of the LRRC8A protein (p.Pro747Leu). This variant is present in population databases (rs781005769, gnomAD 0.007%). This variant has not been reported in the literature in individuals affected with LRRC8A-related conditions. An algorithm developed to predict the effect of missense changes on protein structure and function (PolyPhen-2) suggests that this variant is likely to be disruptive. In summary, the available evidence is currently insufficient to determine the role of this variant in disease. Therefore, it has been classified as a Variant of Uncertain Significance.